The following is an entry in ClinVar:

NM_000535.7(PMS2):c.2556_2557del (p.Ile853fs)

Gene: PMS2 (PMS1 homolog 2, mismatch repair system component; minus strand). Cytogenetic location: 7p22.1.
Variant type: Microsatellite.
Coding change: c.2556_2557del on transcript NM_000535.7 (MANE Select); coding-DNA positions 2556 to 2557, 2 bases deleted (CA; older notation c.2556_2557delCA).
Protein change: p.Ile853fs; shifts the reading frame from isoleucine 853.
Molecular consequence: frameshift variant. On other transcripts: non-coding transcript variant (1).
Genome position (GRCh38, 1-based): chr7:5,973,431-5,973,432, TG deleted on the plus strand (CA on the coding strand, the reverse complement: PMS2 is on the minus strand); deleting any 2 consecutive bases within chr7:5,973,431-5,973,435 gives the same sequence; the c. name uses the placement nearest the transcript's 3' end. VCF-style (leftmost placement, unchanged base first): chr7-5973430-ATG-A. GRCh37 (hg19) VCF-style: chr7-6013061-ATG-A.
Other names: c.2067_2068AC[1], p.Ile691Argfs (NM_001406903.1); c.2079_2080AC[1], p.Ile695Argfs (NM_001406902.1, NM_001406901.1); c.2040_2041AC[1], p.Ile682Argfs (NM_001406904.1, NM_001406905.1); c.1992_1993AC[1], p.Ile666Argfs (NM_001406906.1, NM_001406907.1); c.2553_2554AC[1], p.Ile853Argfs (NM_000535.5); c.2148_2149AC[1], p.Ile718Argfs (NM_001018040.1, NM_001406889.1, NM_001406890.1 and 9 more transcripts); c.2151_2152del, p.Ile718fs (NM_001322003.2, NM_001322004.2, NM_001322005.2); c.2400_2401del, p.Ile801fs (NM_001322006.2); and 28 more; short protein forms I747fs, I750fs, I864fs, I729fs, I662fs, I666fs, I718fs, I801fs.
Identifiers: ClinVar variation 1793011 (VCV001793011.2), dbSNP rs2535179412, ClinGen allele CA2580615838.

ClinVar aggregate classification (germline): Likely pathogenic (1 of 4 stars; one submission).

Conditions:
Hereditary cancer-predisposing syndrome. Also called: Tumor predisposition; Hereditary Cancer Syndrome; Neoplastic Syndromes, Hereditary; Hereditary neoplastic syndrome. Identifiers: Orphanet 140162, MedGen C0027672, MeSH D009386, MONDO:0015356.

Submission:

Ambry Genetics
Classification: Likely pathogenic for Hereditary cancer-predisposing syndrome. Last evaluated: 2020-10-22. Review status: criteria provided, single submitter. Criteria: Ambry Variant Classification Scheme 2023. Collection method: clinical testing. Allele origin: germline.
Comment: The c.2556_2557delCA variant, located in coding exon 15 of the PMS2 gene, results from a deletion of two nucleotides at nucleotide positions 2556 to 2557 causing a translational frameshift with a predicted alternate stop codon (p.I853Rfs*23). This frameshift occurs at the 3' terminus of PMS2 and results in the elongation of the protein by 23 amino acids. Based on an internal structural analysis, this variant is anticipated to result in a significant decrease in protein stability and protein-protein interaction (Ambry internal data; Gueneau E et al. Nat. Struct. Mol. Biol., 2013 Apr;20:461-8). This variant was not reported in population-based cohorts in the Genome Aggregation Database (gnomAD). Based on the majority of available evidence to date, this variant is likely to be pathogenic.

Literature cited by the submitters: PubMed 23435383.